The following is an entry in ClinVar:

NM_005633.4(SOS1):c.3250A>G (p.Arg1084Gly)

Gene: SOS1 (SOS Ras/Rac guanine nucleotide exchange factor 1; minus strand). Cytogenetic location: 2p22.1.
Variant type: single nucleotide variant.
Coding change: c.3250A>G on transcript NM_005633.4 (MANE Select); coding-DNA position 3250, A replaced by G.
Protein change: p.Arg1084Gly; replaces arginine 1084 with glycine.
Molecular consequence: missense variant.
Genome position (GRCh38, 1-based): chr2:38,995,219, T>C on the plus strand (A>G on the coding strand, the complement: SOS1 is on the minus strand). VCF-style: chr2-38995219-T-C. GRCh37 (hg19) VCF-style: chr2-39222360-T-C.
Other names: c.3229A>G, p.Arg1077Gly (NM_001382394.1); c.3250A>G, p.Arg1084Gly (NM_001382395.1); short protein forms R1077G, R1084G.
Identifiers: ClinVar variation 3959846 (VCV003959846.1).

ClinVar aggregate classification (germline): Uncertain significance (1 of 4 stars; one submission).

Conditions:
Cardiovascular phenotype. Identifiers: MedGen CN230736.

gnomAD v4.1: 2 of 1,614,090 alleles (0.00012%); highest among the groups gnomAD compares: Non-Finnish European, 0.00017%; no homozygotes.

Submission:

Ambry Genetics
Classification: Uncertain significance for Cardiovascular phenotype. Last evaluated: 2025-06-07. Review status: criteria provided, single submitter. Criteria: Ambry Variant Classification Scheme 2023. Collection method: clinical testing. Allele origin: germline.
Comment: The p.R1084G variant (also known as c.3250A>G), located in coding exon 20 of the SOS1 gene, results from an A to G substitution at nucleotide position 3250. The arginine at codon 1084 is replaced by glycine, an amino acid with dissimilar properties. This amino acid position is conserved. In addition, the in silico prediction for this alteration is inconclusive. Based on the available evidence, the clinical significance of this variant remains unclear.